The following is an entry in ClinVar:

ClinVar aggregate classification (germline): Uncertain significance (1 of 4 stars; one submission).

Allele frequency attached by ClinVar (database versions not stated): gnomAD exomes below 0.00001; gnomAD 0.00001.

Submission:

Labcorp Genetics (formerly Invitae), Labcorp
Classification: Uncertain significance. Last evaluated: 2024-08-08. Review status: criteria provided, single submitter. Criteria: Invitae Variant Classification Sherloc (09022015). Collection method: clinical testing. Allele origin: germline.
Comment: This sequence change replaces threonine, which is neutral and polar, with alanine, which is neutral and non-polar, at codon 282 of the COL18A1 protein (p.Thr282Ala). This variant is not present in population databases (gnomAD no frequency). This variant has not been reported in the literature in individuals affected with COL18A1-related conditions. ClinVar contains an entry for this variant (Variation ID: 1467878). Experimental studies and prediction algorithms are not available or were not evaluated, and the functional significance of this variant is currently unknown. In summary, the available evidence is currently insufficient to determine the role of this variant in disease. Therefore, it has been classified as a Variant of Uncertain Significance.

NM_001379500.1(COL18A1):c.844A>G (p.Thr282Ala)

Gene: COL18A1 (collagen type XVIII alpha 1 chain; plus strand). Cytogenetic location: 21q22.3.
Variant type: single nucleotide variant.
Coding change: c.844A>G on transcript NM_001379500.1 (MANE Select); coding-DNA position 844, A replaced by G.
Protein change: p.Thr282Ala; replaces threonine 282 with alanine.
Molecular consequence: missense variant.
Genome position (GRCh38, 1-based): chr21:45,476,396, A>G. VCF-style: chr21-45476396-A-G. GRCh37 (hg19) VCF-style: chr21-46896310-A-G.
Other names: c.1384A>G, p.Thr462Ala (NM_030582.4); c.2089A>G, p.Thr697Ala (NM_130444.3); short protein forms T282A, T697A, T462A.
Identifiers: ClinVar variation 1467878 (VCV001467878.6), dbSNP rs2035653986, ClinGen allele CA410514383.